The following is an entry in ClinVar:

NC_000002.11:g.(15567919_15601324)_(15618414_15629017)del

Gene: NBAS (NBAS subunit of NRZ tethering complex; minus strand). Cytogenetic location: 2p24.3.
Variant type: Deletion.
Identifiers: ClinVar variation 1677070 (VCV001677070.1).

ClinVar aggregate classification (germline): Likely pathogenic (1 of 4 stars; one submission).

Conditions:
Acute infantile liver failure due to synthesis defect of mtDNA-encoded proteins. Also called: LIVER FAILURE, INFANTILE, TRANSIENT; Liver failure acute infantile; TRMU Deficiency. Identifiers: Orphanet 217371, MedGen C3278664, MONDO:0013111, OMIM 613070.

Submission:

Women's Health and Genetics/Laboratory Corporation of America, LabCorp
Classification: Likely pathogenic for Acute infantile liver failure due to synthesis defect of mtDNA-encoded proteins. Last evaluated: 2022-03-09. Review status: criteria provided, single submitter. Criteria: LabCorp Variant Classification Summary - May 2015. Collection method: clinical testing. Allele origin: germline.
Comment: Variant summary: The variant identified by MLPA or other technology involves the deletion of exons 13-21 in the NBAS gene. A presumed nomenclature of c.(1083+1_1084-1)_(2339+1_2340-1)del has been designated for the purposes of this classification. Although exact breakpoints of this deletion are not known, it is expected to result in a frameshift deletion change in the NBAS gene, a known mechanism of disease. The variant was absent in 21694 control chromosomes (gnomAD, Structural Variants dataset). To our knowledge, no occurrence of c.(1083+1_1084-1)_(2339+1_2340-1)del in individuals affected with Liver Failure Acute Infantile, Type 2 and no experimental evidence demonstrating its impact on protein function have been reported. No clinical diagnostic laboratories have submitted clinical-significance assessments for this variant to ClinVar after 2014. Based on the evidence outlined above, the variant was classified as likely pathogenic.